The following is an entry in ClinVar:

ClinVar aggregate classification (germline): Uncertain significance (1 of 4 stars; one submission).

Submission:

Labcorp Genetics (formerly Invitae), Labcorp
Classification: Uncertain significance. Last evaluated: 2024-11-05. Review status: criteria provided, single submitter. Criteria: Invitae Variant Classification Sherloc (09022015). Collection method: clinical testing. Allele origin: germline.
Comment: This sequence change replaces aspartic acid, which is acidic and polar, with asparagine, which is neutral and polar, at codon 24 of the CACNA1G protein (p.Asp24Asn). This variant is not present in population databases (gnomAD no frequency). This variant has not been reported in the literature in individuals affected with CACNA1G-related conditions. ClinVar contains an entry for this variant (Variation ID: 2090814). Invitae Evidence Modeling of protein sequence and biophysical properties (such as structural, functional, and spatial information, amino acid conservation, physicochemical variation, residue mobility, and thermodynamic stability) indicates that this missense variant is not expected to disrupt CACNA1G protein function with a negative predictive value of 95%. In summary, the available evidence is currently insufficient to determine the role of this variant in disease. Therefore, it has been classified as a Variant of Uncertain Significance.

NM_018896.5(CACNA1G):c.70G>A (p.Asp24Asn)

Genes: CACNA1G (calcium voltage-gated channel subunit alpha1 G; plus strand), CACNA1G-AS1 (CACNA1G antisense RNA 1; minus strand). Cytogenetic location: 17q21.33.
Variant type: single nucleotide variant.
Coding change: c.70G>A on transcript NM_018896.5 (MANE Select); coding-DNA position 70, G replaced by A.
Protein change: p.Asp24Asn; replaces aspartic acid 24 with asparagine.
Molecular consequence: missense variant. On other transcripts: non-coding transcript variant (5).
Genome position (GRCh38, 1-based): chr17:50,561,529, G>A. VCF-style: chr17-50561529-G-A. GRCh37 (hg19) VCF-style: chr17-48638890-G-A.
Other names: c.70G>A, p.Asp24Asn (NM_001256324.2, NM_001256325.2, NM_001256326.2 and 24 more transcripts); short protein forms D24N.
Identifiers: ClinVar variation 2090814 (VCV002090814.4), dbSNP rs2544431606, ClinGen allele CA400221532.